The following is an entry in ClinVar:

NM_016188.5(ACTL6B):c.817G>A (p.Glu273Lys)

Gene: ACTL6B (actin like 6B; minus strand). Cytogenetic location: 7q22.1.
Variant type: single nucleotide variant.
Coding change: c.817G>A on transcript NM_016188.5 (MANE Select); coding-DNA position 817, G replaced by A.
Protein change: p.Glu273Lys; replaces glutamic acid 273 with lysine.
Molecular consequence: missense variant. On other transcripts: non-coding transcript variant (1).
Genome position (GRCh38, 1-based): chr7:100,647,227, C>T on the plus strand (G>A on the coding strand, the complement: ACTL6B is on the minus strand). VCF-style: chr7-100647227-C-T. GRCh37 (hg19) VCF-style: chr7-100244850-C-T.
Other names: short protein forms E273K.
Identifiers: ClinVar variation 4074548 (VCV004074548.1).

ClinVar aggregate classification (germline): Uncertain significance (1 of 4 stars; one submission).

Submission:

GeneDx
Classification: Uncertain significance. Last evaluated: 2025-02-07. Review status: criteria provided, single submitter. Criteria: GeneDx Variant Classification Process June 2021. Collection method: clinical testing. Allele origin: germline. Affected: yes.
Comment: Not observed at significant frequency in large population cohorts (gnomAD); In silico analysis indicates that this missense variant does not alter protein structure/function; Has not been previously published as pathogenic or benign to our knowledge